The following is an entry in ClinVar:

ClinVar aggregate classification (germline): Pathogenic. Review status: criteria provided, single submitter (1 of 4 stars). 2 submissions from 2 submitters: Pathogenic (1). 1 of the submissions does not count toward it. Last evaluated 2025-01-17.

Conditions:
Angelman syndrome (AS). Also called: HAPPY PUPPET SYNDROME. Identifiers: Orphanet 72, MedGen C0162635, MONDO:0007113, OMIM 105830. Disease mechanism: loss of function. Inheritance: AS is caused by disruption of maternally imprinted UBE3A located within the 15q11.2-q13 Angelman syndrome/Prader-Willi syndrome (AS/PWS) region., imprinting disorder.

Submissions (2):

GeneDx
Classification: Pathogenic. Last evaluated: 2025-01-17. Review status: criteria provided, single submitter. Criteria: GeneDx Variant Classification Process June 2021. Collection method: clinical testing. Allele origin: germline. Affected: yes.
Comment: Identified in a patient suspected to have Angelman syndrome in published literature (PMID: 25212744); Nonsense variant predicted to result in protein truncation or nonsense mediated decay in a gene for which loss of function is a known mechanism of disease; Not observed at significant frequency in large population cohorts (gnomAD); This variant is associated with the following publications: (PMID: 25212744)

Baylor Genetics
Classification: Pathogenic for Angelman Syndrome. Last evaluated: 2014-02-14. Review status: no assertion criteria provided. Collection method: clinical testing. Allele origin: germline. Affected: yes. Observed: 1 variant allele. Study: UBE3A Mutation Study. Not counted in ClinVar's aggregate classification.
Comment: Data collected from clinical UBE3A sequence analysis results

Literature cited by the submitters: PubMed 25212744 (cited by Baylor Genetics).

NM_130839.5(UBE3A):c.2230_2234dup (p.Tyr745Ter)

Genes: SNHG14 (small nucleolar RNA host gene 14; plus strand), UBE3A (ubiquitin protein ligase E3A; minus strand). Cytogenetic location: 15q11.2.
Variant type: Duplication.
Coding change: c.2230_2234dup on transcript NM_130839.5 (MANE Select); coding-DNA positions 2230 to 2234, 5 bases duplicated (AAGTA; older notation c.2230_2234dupAAGTA).
Protein change: p.Tyr745Ter; replaces tyrosine 745 with a stop codon.
Molecular consequence: nonsense. On other transcripts: non-coding transcript variant (1), intron variant (3).
Genome position (GRCh38, 1-based): chr15:25,354,574-25,354,578, TACTT duplicated on the plus strand (AAGTA on the coding strand, the reverse complement: UBE3A is on the minus strand); duplicating any 5 consecutive bases within chr15:25,354,574-25,354,580 gives the same sequence; the c. name uses the placement nearest the transcript's 3' end. VCF-style (leftmost placement, unchanged base first): chr15-25354573-G-GTACTT. GRCh37 (hg19) VCF-style: chr15-25599720-G-GTACTT.
Other names: c.2239_2243dup, p.Tyr748Ter (NM_000462.5); c.2230_2234dup, p.Tyr745Ter (NM_001354505.1, NM_001354538.2); c.2170_2174dup, p.Tyr725Ter (NM_001354506.2, NM_001354507.2, NM_001354508.2 and 14 more transcripts); c.2053_2057dup, p.Tyr686Ter (NM_001354546.2); c.2005_2009dup, p.Tyr670Ter (NM_001354549.2); c.979_983dup, p.Tyr328Ter (NM_001354550.2); c.919_923dup, p.Tyr308Ter (NM_001354551.2); c.2065-152_2065-148dup (NM_001354548.2, NM_001354547.2); and 1 more; short protein forms Y328*, Y725*, Y745*, Y748*, Y308*, Y670*, Y686*.
Identifiers: ClinVar variation 155967 (VCV000155967.2), dbSNP rs587781216, ClinGen allele CA333338.